The following is an entry in ClinVar:

ClinVar aggregate classification (germline): Uncertain significance (1 of 4 stars; one submission).

Conditions:
Nemaline myopathy 6 (NEM6). Also called: Nemaline myopathy 6, autosomal dominant. Identifiers: Orphanet 171439, MedGen C1836472, MONDO:0012237, OMIM 609273.

Allele frequency attached by ClinVar (database versions not stated): gnomAD exomes below 0.00001; TOPMed below 0.00001.
gnomAD v4.1: 1 of 1,611,104 alleles (0.000062%); highest among the groups gnomAD compares: African/African-American, 0.0013%; no homozygotes.

Submission:

Labcorp Genetics (formerly Invitae), Labcorp
Classification: Uncertain significance for Nemaline myopathy 6. Last evaluated: 2024-03-13. Review status: criteria provided, single submitter. Criteria: Invitae Variant Classification Sherloc (09022015). Collection method: clinical testing. Allele origin: germline.
Comment: This sequence change affects codon 348 of the KBTBD13 mRNA. It is a 'silent' change, meaning that it does not change the encoded amino acid sequence of the KBTBD13 protein. This variant is not present in population databases (gnomAD no frequency). This variant has not been reported in the literature in individuals affected with KBTBD13-related conditions. Experimental studies and prediction algorithms are not available or were not evaluated, and the effect of this variant on mRNA splicing is currently unknown. In summary, the available evidence is currently insufficient to determine the role of this variant in disease. Therefore, it has been classified as a Variant of Uncertain Significance.

NM_001101362.3(KBTBD13):c.1044C>G (p.Ala348=)

Gene: KBTBD13 (kelch repeat and BTB domain containing 13; plus strand). Cytogenetic location: 15q22.31.
Variant type: single nucleotide variant.
Coding change: c.1044C>G on transcript NM_001101362.3 (MANE Select); coding-DNA position 1044, C replaced by G.
Protein change: p.Ala348=; no amino-acid change (alanine 348 retained).
Molecular consequence: synonymous variant.
Genome position (GRCh38, 1-based): chr15:65,077,859, C>G. VCF-style: chr15-65077859-C-G. GRCh37 (hg19) VCF-style: chr15-65370197-C-G.
Identifiers: ClinVar variation 2740529 (VCV002740529.3), dbSNP rs2087001961, ClinGen allele CA490899157.
Genomic context (GRCh38, chr15:65,077,859, plus strand): 5'-CGCGTGGCTGCCAGTGGCCGAGCTGCGGCGTCCGCAGAGCTATGGCCACTGCATGGTGGC[C>G]CACCGCGACAGCCTCTATGTGGTGCGCAACGGACCTTCCGACGACTTCCTGCACTGCGCC-3'
Protein context (NP_001094832.1, residues 338-358): RPQSYGHCMV[Ala348=]HRDSLYVVRN